The following is an entry in ClinVar:

ClinVar aggregate classification (germline): Pathogenic. Review status: criteria provided, multiple submitters, no conflicts (2 of 4 stars). 3 submissions from 3 submitters: Pathogenic (3). Last evaluated 2024-07-15.

Conditions:
3-Oxo-5 alpha-steroid delta 4-dehydrogenase deficiency (PPSH). Also called: PSEUDOVAGINAL PERINEOSCROTAL HYPOSPADIAS; MALE PSEUDOHERMAPHRODITISM DUE TO 5-ALPHA-REDUCTASE DEFICIENCY; 46,XY disorder of sex development due to 5-alpha-reductase 2 deficiency; FAMILIAL INCOMPLETE MALE PSEUDOHERMAPHRODITISM, TYPE 2. Identifiers: Orphanet 753, MedGen C0268297, MONDO:0009923, OMIM 264600. Disease mechanism: loss of function.

Allele frequency attached by ClinVar (database versions not stated): gnomAD 0.00001; TOPMed 0.00002; gnomAD exomes 0.00005.
gnomAD v4.1: 5 of 1,612,328 alleles (0.00031%); highest among the groups gnomAD compares: Admixed American, 0.005%; no homozygotes.

Submissions (3):

Women's Health and Genetics/Laboratory Corporation of America, LabCorp
Classification: Pathogenic for 3-Oxo-5 alpha-steroid delta 4-dehydrogenase deficiency. Last evaluated: 2024-07-15. Review status: criteria provided, single submitter. Criteria: LabCorp Variant Classification Summary - May 2015. Collection method: clinical testing. Allele origin: germline.
Comment: Variant summary: SRD5A2 c.97G>A/p.Gly33Arg (also known as c.100G>A/p.G34R in RefSeq) results in a non-conservative amino acid change in the encoded protein sequence. Three of three in-silico tools predict a damaging effect of the variant on protein function. The variant allele was found at a frequency of 4.6e-05 in 107582 control chromosomes. c.97G>A has been reported in the literature in multiple individuals affected with Disorder of sex development due to 3-Oxo-5 alpha-steroid delta 4-dehydrogenase deficiency (example: Mazen_2021). These data indicate that the variant is very likely to be associated with disease. The following publication has been ascertained in the context of this evaluation (PMID: 33742552). ClinVar contains an entry for this variant (Variation ID: 372518). Based on the evidence outlined above, the variant was classified as pathogenic.

Labcorp Genetics (formerly Invitae), Labcorp
Classification: Pathogenic for 3-Oxo-5 alpha-steroid delta 4-dehydrogenase deficiency. Last evaluated: 2024-01-30. Review status: criteria provided, single submitter. Criteria: Invitae Variant Classification Sherloc (09022015). Collection method: clinical testing. Allele origin: germline.
Comment: This sequence change replaces glycine, which is neutral and non-polar, with arginine, which is basic and polar, at codon 34 of the SRD5A2 protein (p.Gly34Arg). This variant is present in population databases (rs782032018, gnomAD 0.03%). This missense change has been observed in individual(s) with Steroid-5 alpha-reductase deficiency (PMID: 1522235, 12699446, 30132287, 33742552). This variant is also known as G34R. ClinVar contains an entry for this variant (Variation ID: 372518). Advanced modeling of protein sequence and biophysical properties (such as structural, functional, and spatial information, amino acid conservation, physicochemical variation, residue mobility, and thermodynamic stability) performed at Invitae indicates that this missense variant is expected to disrupt SRD5A2 protein function with a positive predictive value of 80%. Experimental studies have shown that this missense change affects SRD5A2 function (PMID: 1522235). For these reasons, this variant has been classified as Pathogenic.

GeneDx
Classification: Pathogenic. Last evaluated: 2016-05-10. Review status: criteria provided, single submitter. Criteria: GeneDx Variant Classification (06012015). Collection method: clinical testing. Allele origin: germline. Affected: yes.
Comment: The G34R pathogenic variant has been reported in multiple individuals with ambiguous genitalia (Mazen et al., 2003). Additionally, functional studies indicate that the presence of G34R significantly reduces enzyme activity (Thigpen et al., 1992). Therefore, we interpret G34R as a pathogenic variant.

Literature cited by the submitters: PubMed 33742552 (cited by Women's Health and Genetics/Laboratory Corporation of America, LabCorp and Labcorp Genetics (formerly Invitae), Labcorp); PubMed 1522235 (cited by Labcorp Genetics (formerly Invitae), Labcorp); PubMed 12699446 (cited by Labcorp Genetics (formerly Invitae), Labcorp); PubMed 30132287 (cited by Labcorp Genetics (formerly Invitae), Labcorp).

NM_000348.4(SRD5A2):c.100G>A (p.Gly34Arg)

Gene: SRD5A2 (steroid 5 alpha-reductase 2; minus strand). Cytogenetic location: 2p23.1.
Variant type: single nucleotide variant.
Coding change: c.100G>A on transcript NM_000348.4 (MANE Select); coding-DNA position 100, G replaced by A.
Protein change: p.Gly34Arg; replaces glycine 34 with arginine.
Molecular consequence: missense variant.
Genome position (GRCh38, 1-based): chr2:31,580,801, C>T on the plus strand (G>A on the coding strand, the complement: SRD5A2 is on the minus strand). VCF-style: chr2-31580801-C-T. GRCh37 (hg19) VCF-style: chr2-31805871-C-T.
Other names: short protein forms G34R.
Identifiers: ClinVar variation 372518 (VCV000372518.6), dbSNP rs782032018, ClinGen allele CA45142058.
Genomic context (GRCh38, chr2:31,580,801, plus strand): 5'-ACCAGGCGGCGCGGGCTGGCAGGCGGGTAGCCGCCGGCTTCAGGCTCTCCGTGTGCTTCC[C>T]GTAGCCGGAGGGCTTCGCGACGTACAAGGCCAGTGCCCCAAGGGCGACCAAAGTGGCGCT-3'
Protein context (NP_000339.2, residues 24-44): ALYVAKPSGY[Gly34Arg]KHTESLKPAA